The following is an entry in ClinVar:

ClinVar aggregate classification (germline): Pathogenic (1 of 4 stars; one submission).

Conditions:
Familial hypercholesterolemia. Also called: Familial hypercholesterolemias; Familial hypercholesterolaemia. Identifiers: MedGen C0020445, MONDO:0005439.

Submission:

Research Laboratories, P. D. Hinduja Hospital & MRC
Classification: Pathogenic for Familial hypercholesterolemia. Last evaluated: 2022-12-16. Review status: criteria provided, single submitter. Criteria: ACMG Guidelines, 2015. Collection method: research. Allele origin: germline. Affected: yes. Observed: 1 variant allele, 1 heterozygote.
Comment: This variant was identified as part of the ICMR-funded project (Ref No. 2020-3881). A frameshift deletion in ST6GALNAC1 (NM_018414.4), resulting from a two–base pair deletion c.1008_1009delCT, leads to a frameshift at phenylalanine 337 with a predicted premature stop codon downstream (p.Phe337Leufs*?). To our knowledge, functional studies specifically evaluating the impact of this variant have not been reported. This variant has not been previously described in individuals with Familial Hypercholesterolemia (FH) in the published literature. However, ST6GALNAC1 encodes a sialyltransferase involved in glycosylation pathways that may influence lipid metabolism and cardiovascular biology. In silico prediction tools, including MutationTaster, classify this variant as disease-causing, supporting a potential deleterious effect on protein function (GRCh38).

NM_018414.5(ST6GALNAC1):c.755del (p.Lys252fs)

Gene: ST6GALNAC1 (ST6 N-acetylgalactosaminide alpha-2,6-sialyltransferase 1; minus strand).
Variant type: Deletion.
Coding change: c.755del on transcript NM_018414.5 (MANE Select); coding-DNA position 755, one base deleted.
Protein change: p.Lys252fs; shifts the reading frame from lysine 252.
Molecular consequence: frameshift variant. On other transcripts: non-coding transcript variant (1).
Other names: c.359del, p.Lys120fs (NM_001289107.2); short protein forms K120fs, K252fs.
Identifiers: ClinVar variation 4686673 (VCV004686673.1).